The following is an entry in ClinVar:

NM_182961.4(SYNE1):c.5699A>G (p.Asn1900Ser)

Gene: SYNE1 (spectrin repeat containing nuclear envelope protein 1; minus strand). Cytogenetic location: 6q25.2.
Variant type: single nucleotide variant.
Coding change: c.5699A>G on transcript NM_182961.4 (MANE Select); coding-DNA position 5699, A replaced by G.
Protein change: p.Asn1900Ser; replaces asparagine 1900 with serine.
Molecular consequence: missense variant.
Genome position (GRCh38, 1-based): chr6:152,416,738, T>C on the plus strand (A>G on the coding strand, the complement: SYNE1 is on the minus strand). VCF-style: chr6-152416738-T-C. GRCh37 (hg19) VCF-style: chr6-152737873-T-C.
Other names: c.5720A>G, p.Asn1907Ser (NM_033071.5); short protein forms N1900S, N1907S.
Identifiers: ClinVar variation 1809972 (VCV001809972.1), dbSNP rs992147994, ClinGen allele CA150207683.

ClinVar aggregate classification (germline): Uncertain significance (1 of 4 stars; one submission).

Allele frequency attached by ClinVar (database versions not stated): gnomAD exomes below 0.00001; gnomAD 0.00001; TOPMed 0.00002.
gnomAD v4.1: 3 of 1,614,124 alleles (0.00019%); highest among the groups gnomAD compares: African/African-American, 0.004%; no homozygotes.

Submission:

GeneDx
Classification: Uncertain significance. Last evaluated: 2022-07-01. Review status: criteria provided, single submitter. Criteria: GeneDx Variant Classification Process June 2021. Collection method: clinical testing. Allele origin: germline. Affected: yes.
Comment: Not observed at significant frequency in large population cohorts (gnomAD); In silico analysis supports that this missense variant does not alter protein structure/function; Has not been previously published as pathogenic or benign to our knowledge